The following is an entry in ClinVar:

ClinVar aggregate classification (germline): Pathogenic (1 of 4 stars; one submission).

Submission:

Labcorp Genetics (formerly Invitae), Labcorp
Classification: Pathogenic. Last evaluated: 2025-11-28. Review status: criteria provided, single submitter. Criteria: Invitae Variant Classification Sherloc (09022015). Collection method: clinical testing. Allele origin: germline.
Comment: This sequence change creates a premature translational stop signal (p.Val1590Serfs*4) in the LTBP2 gene. It is expected to result in an absent or disrupted protein product. Loss-of-function variants in LTBP2 are known to be pathogenic (PMID: 19361779, 19656777, 22025892). This variant is not present in population databases (gnomAD no frequency). This variant has not been reported in the literature in individuals affected with LTBP2-related conditions. For these reasons, this variant has been classified as Pathogenic.

Literature cited by the submitters: PubMed 19361779; PubMed 19656777; PubMed 22025892.

NM_000428.3(LTBP2):c.4767dup (p.Val1590fs)

Gene: LTBP2 (latent transforming growth factor beta binding protein 2; minus strand). Cytogenetic location: 14q24.3.
Variant type: Duplication.
Coding change: c.4767dup on transcript NM_000428.3 (MANE Select); coding-DNA position 4767, one base duplicated (A; older notation c.4767dupA).
Protein change: p.Val1590fs; shifts the reading frame from valine 1590.
Molecular consequence: frameshift variant.
Genome position (GRCh38, 1-based): chr14:74,503,340, T duplicated on the plus strand (A on the coding strand, the reverse complement: LTBP2 is on the minus strand); the first of 6 consecutive T bases (chr14:74,503,340-74,503,345); duplicating any one gives the same sequence. VCF-style (leftmost placement, unchanged base first): chr14-74503339-C-CT. GRCh37 (hg19) VCF-style: chr14-74970042-C-CT.
Other names: short protein forms V1590fs.
Identifiers: ClinVar variation 4760344 (VCV004760344.1), dbSNP rs1299329919.